The following is an entry in ClinVar:

NM_001378120.1(MBD5):c.3497_3498del (p.Ser1166fs)

Gene: MBD5 (methyl-CpG binding domain protein 5; plus strand). Cytogenetic location: 2q23.1.
Variant type: Microsatellite.
Coding change: c.3497_3498del on transcript NM_001378120.1 (MANE Select); coding-DNA positions 3497 to 3498, 2 bases deleted (CT; older notation c.3497_3498delCT).
Protein change: p.Ser1166fs; shifts the reading frame from serine 1166.
Molecular consequence: frameshift variant. On other transcripts: intron variant (6).
Genome position (GRCh38, 1-based): chr2:148,484,088-148,484,089, CT deleted; deleting any 2 consecutive bases within chr2:148,484,086-148,484,089 gives the same sequence; the c. name uses the placement nearest the transcript's 3' end. VCF-style (leftmost placement, unchanged base first): chr2-148484085-ACT-A. GRCh37 (hg19) VCF-style: chr2-149241654-ACT-A.
Other names: c.3497_3498del, p.Ser1166fs (NM_001438854.1, NM_001438856.1, NM_001438857.1 and 1 more transcripts); c.2845+652_2845+653del (NM_018328.5, NM_001438862.1, NM_001438860.1 and 3 more transcripts); short protein forms S1166fs.
Identifiers: ClinVar variation 4852162 (VCV004852162.1).
Genomic context (GRCh38, chr2:148,484,085, plus strand): 5'-CATTGCTGAATATATCTAATAATGCTGGGAATACACCTGGTCCAGCTAAACTCAACAGTA[ACT>A]CTGTGGTGCCACAGCTACTTAACCCTCTACTGGGGACAGGTCTACTTGGTAAGTTAAATT-3'

ClinVar aggregate classification (germline): Likely pathogenic (1 of 4 stars; one submission).

Conditions:
Intellectual developmental disorder, autosomal dominant 1. Also called: MBD5 Haploinsufficiency; Intellectual disability, autosomal dominant 1. Identifiers: Orphanet 228402, MedGen C1969562, MONDO:0007974, OMIM 156200.

Submission:

Variantyx, Inc.
Classification: Likely pathogenic for Intellectual developmental disorder, autosomal dominant 1. Last evaluated: 2025-08-02. Review status: criteria provided, single submitter. Criteria: Variantyx Assertion Criteria 2022. Collection method: clinical testing. Allele origin: germline. Inheritance: Autosomal dominant inheritance. Affected: yes.
Comment: This is a frameshift variant in the MBD5 gene (OMIM: 611472). Pathogenic variants in this gene have been associated with autosomal dominant intellectual developmental disorder 1. This variant introduces a premature termination codon in exon 9 out of 14 and is expected to result in loss of function, which is a known disease mechanism for MBD5 in this disorder (PMID: 22726846, 23422940, 22495309) (PVS1). This variant is absent from control populations (PM2), and it has not been reported in individuals with MBD5-related disorders in the databases available for review. Inheritance from an unaffected or mildly affected parent has been reported in the MBD5 gene, consistent with incomplete penetrance and/or variable expressivity (PMID: 28807762, 33374027). Based on the current evidence, this variant is classified as likely pathogenic for autosomal dominant intellectual developmental disorder 1.

Literature cited by the submitters: PubMed 22726846; PubMed 23422940; PubMed 22495309; PubMed 28807762; PubMed 33374027.